The following is an entry in ClinVar:

NC_000013.11:g.(?_76991932)_(77000989_?)dup

Gene: CLN5 (CLN5 lysosomal BMP synthase; plus strand). Cytogenetic location: 13q22.3.
Variant type: Duplication.
Identifiers: ClinVar variation 832490 (VCV000832490.1).

ClinVar aggregate classification (germline): Uncertain significance (1 of 4 stars; one submission).

Conditions:
Neuronal ceroid lipofuscinosis. Also called: Neuronal Ceroid Lipofuscinoses. Identifiers: Orphanet 216, Orphanet 79263, MedGen C0027877, MONDO:0016295. Disease mechanism: loss of function.

Submission:

Labcorp Genetics (formerly Invitae), Labcorp
Classification: Uncertain significance for Neuronal ceroid lipofuscinosis. Last evaluated: 2019-08-28. Review status: criteria provided, single submitter. Criteria: Invitae Variant Classification Sherloc (09022015). Collection method: clinical testing. Allele origin: germline.
Comment: This variant results in a copy number gain of the genomic region encompassing the full coding sequence of the CLN5 gene. The boundaries of this event are unknown as they extend beyond the assayed region for this gene and therefore may encompass additional genes. As the precise location of this event is unknown, it may be in tandem or it may be located elsewhere in the genome. This variant has not been reported in the literature in individuals with CLN5-related conditions. In summary, the available evidence is currently insufficient to determine the role of this variant in disease. Therefore, it has been classified as a Variant of Uncertain Significance.